The following is an entry in ClinVar:

ClinVar aggregate classification (germline): Uncertain significance (0 of 4 stars; one submission).

Conditions:
SEMA3G-related disorder. Also called: SEMA3G-related condition.

Submission:

PreventionGenetics, part of Exact Sciences
Classification: Uncertain significance for SEMA3G-related condition. Last evaluated: 2024-05-15. Review status: no assertion criteria provided. Collection method: clinical testing. Allele origin: germline.
Comment: The SEMA3G c.289C>T variant is predicted to result in the amino acid substitution p.Pro97Ser. To our knowledge, this variant has not been reported in the literature. This variant is reported in 0.0033% of alleles in individuals of South Asian descent in gnomAD. At this time, the clinical significance of this variant is uncertain due to the absence of conclusive functional and genetic evidence.

NM_020163.3(SEMA3G):c.289C>T (p.Pro97Ser)

Gene: SEMA3G (semaphorin 3G; minus strand). Cytogenetic location: 3p21.1.
Variant type: single nucleotide variant.
Coding change: c.289C>T on transcript NM_020163.3 (MANE Select); coding-DNA position 289, C replaced by T.
Protein change: p.Pro97Ser; replaces proline 97 with serine.
Molecular consequence: missense variant.
Genome position (GRCh38, 1-based): chr3:52,442,609, G>A on the plus strand (C>T on the coding strand, the complement: SEMA3G is on the minus strand). VCF-style: chr3-52442609-G-A. GRCh37 (hg19) VCF-style: chr3-52476625-G-A.
Other names: short protein forms P97S.
Identifiers: ClinVar variation 3351502 (VCV003351502.1).
Genomic context (GRCh38, chr3:52,442,609, plus strand): 5'-CAGCACTCACCAAAGGATCTCTTCCCTTTCGAACACACTCCTCCCTCTGTCCTGGCTGCG[G>A]TGGCCACAGGACCTGGAACACAGCCCCGCTGACCTCAGGTCCTCCCCTGATCTCACAGGC-3'
Protein context (NP_064548.1, residues 87-107): WPDPREVLWP[Pro97Ser]QPGQREECVR